The following is an entry in ClinVar:

ClinVar aggregate classification (germline): Uncertain significance. Review status: criteria provided, multiple submitters, no conflicts (2 of 4 stars). 2 submissions from 2 submitters: Uncertain significance (2). Last evaluated 2025-01-14.

Allele frequency attached by ClinVar (database versions not stated): gnomAD exomes below 0.00001; ExAC 0.00001.

Submissions (2):

GeneDx
Classification: Uncertain significance. Last evaluated: 2025-01-14. Review status: criteria provided, single submitter. Criteria: GeneDx Variant Classification Process June 2021. Collection method: clinical testing. Allele origin: germline. Affected: yes.
Comment: In silico analysis supports that this missense variant has a deleterious effect on protein structure/function; Has not been previously published as pathogenic or benign to our knowledge

Revvity Omics, Revvity
Classification: Uncertain significance. Last evaluated: 2022-07-13. Review status: criteria provided, single submitter. Criteria: ACMG Guidelines, 2015. Collection method: clinical testing. Allele origin: germline.

NM_001355436.2(SPTB):c.1058C>T (p.Pro353Leu)

Gene: SPTB (spectrin beta, erythrocytic; minus strand). Cytogenetic location: 14q23.3.
Variant type: single nucleotide variant.
Coding change: c.1058C>T on transcript NM_001355436.2 (MANE Select); coding-DNA position 1058, C replaced by T.
Protein change: p.Pro353Leu; replaces proline 353 with leucine.
Molecular consequence: missense variant.
Genome position (GRCh38, 1-based): chr14:64,799,753, G>A on the plus strand (C>T on the coding strand, the complement: SPTB is on the minus strand). VCF-style: chr14-64799753-G-A. GRCh37 (hg19) VCF-style: chr14-65266471-G-A.
Other names: NM_000347.5:c.1058C>T; c.1058C>T, p.Pro353Leu (NM_001024858.4, NM_001355437.2); short protein forms P353L.
Identifiers: ClinVar variation 2436451 (VCV002436451.4), dbSNP rs748666173, ClinGen allele CA7231247.